The following is an entry in ClinVar:

ClinVar aggregate classification (germline): Uncertain significance. Review status: criteria provided, multiple submitters, no conflicts (2 of 4 stars). 2 submissions from 2 submitters: Uncertain significance (2). Last evaluated 2025-07-31.

Allele frequency attached by ClinVar (database versions not stated): ESP Exome Variant Server 0.00046; gnomAD 0.00020; TOPMed 0.00027.
gnomAD v4.1: 465 of 1,614,100 alleles (0.029%); highest among the groups gnomAD compares: Non-Finnish European, 0.036%; no homozygotes.

Submissions (2):

Labcorp Genetics (formerly Invitae), Labcorp
Classification: Uncertain significance. Last evaluated: 2025-07-31. Review status: criteria provided, single submitter. Criteria: Invitae Variant Classification Sherloc (09022015). Collection method: clinical testing. Allele origin: germline.
Comment: This sequence change replaces glutamine, which is neutral and polar, with histidine, which is basic and polar, at codon 252 of the FBN3 protein (p.Gln252His). This variant is present in population databases (rs201984325, gnomAD 0.05%), and has an allele count higher than expected for a pathogenic variant. This variant has not been reported in the literature in individuals affected with FBN3-related conditions. ClinVar contains an entry for this variant (Variation ID: 2356152). An algorithm developed to predict the effect of missense changes on protein structure and function (PolyPhen-2) suggests that this variant is likely to be disruptive. In summary, the available evidence is currently insufficient to determine the role of this variant in disease. Therefore, it has been classified as a Variant of Uncertain Significance.

Ambry Genetics
Classification: Uncertain significance. Last evaluated: 2025-07-04. Review status: criteria provided, single submitter. Criteria: Ambry Variant Classification Scheme 2023. Collection method: clinical testing. Allele origin: germline.

NM_032447.5(FBN3):c.756G>T (p.Gln252His)

Gene: FBN3 (fibrillin 3; minus strand). Cytogenetic location: 19p13.2.
Variant type: single nucleotide variant.
Coding change: c.756G>T on transcript NM_032447.5 (MANE Select); coding-DNA position 756, G replaced by T.
Protein change: p.Gln252His; replaces glutamine 252 with histidine.
Molecular consequence: missense variant.
Genome position (GRCh38, 1-based): chr19:8,141,826, C>A on the plus strand (G>T on the coding strand, the complement: FBN3 is on the minus strand). VCF-style: chr19-8141826-C-A. GRCh37 (hg19) VCF-style: chr19-8206710-C-A.
Other names: c.756G>T, p.Gln252His (NM_001321431.2); short protein forms Q252H.
Identifiers: ClinVar variation 2356152 (VCV002356152.5), dbSNP rs201984325, ClinGen allele CA9153595.